The following is an entry in ClinVar:

NM_000016.6(ACADM):c.277G>A (p.Glu93Lys)

Gene: ACADM (acyl-CoA dehydrogenase medium chain; plus strand). Cytogenetic location: 1p31.1.
Variant type: single nucleotide variant.
Coding change: c.277G>A on transcript NM_000016.6 (MANE Select); coding-DNA position 277, G replaced by A.
Protein change: p.Glu93Lys; replaces glutamic acid 93 with lysine.
Molecular consequence: missense variant. On other transcripts: 5 prime UTR variant (1).
Genome position (GRCh38, 1-based): chr1:75,732,913, G>A. VCF-style: chr1-75732913-G-A. GRCh37 (hg19) VCF-style: chr1-76198598-G-A.
Other names: c.289G>A, p.Glu97Lys (NM_001127328.3); c.169G>A, p.Glu57Lys (NM_001286042.2); c.277G>A, p.Glu93Lys (NM_001286043.2); c.-109G>A (NM_001286044.2); short protein forms E97K, E57K, E93K.
Identifiers: ClinVar variation 965874 (VCV000965874.10), dbSNP rs752612962, ClinGen allele CA913012.

ClinVar aggregate classification (germline): Uncertain significance. Review status: criteria provided, multiple submitters, no conflicts (2 of 4 stars). 3 submissions from 3 submitters: Uncertain significance (2). 1 of the submissions does not count toward it. Last evaluated 2021-08-13.

Conditions:
Medium-chain acyl-coenzyme A dehydrogenase deficiency (ACADMD). Also called: MCADH DEFICIENCY; CARNITINE DEFICIENCY SECONDARY TO MEDIUM-CHAIN ACYL-CoA DEHYDROGENASE DEFICIENCY; MCAD Deficiency; Medium chain acyl-CoA dehydrogenase deficiency; MCADD; ACADM DEFICIENCY. Identifiers: Orphanet 42, MedGen C0220710, MONDO:0008721, OMIM 201450.

Allele frequency attached by ClinVar (database versions not stated): gnomAD 0.00001; gnomAD exomes 0.00001 and 0.00004; TOPMed 0.00001; ExAC 0.00002.
gnomAD v4.1: 63 of 1,613,810 alleles (0.0039%); highest among the groups gnomAD compares: Non-Finnish European, 0.0047%; no homozygotes.

Submissions (3):

Labcorp Genetics (formerly Invitae), Labcorp
Classification: Uncertain significance for Medium-chain acyl-coenzyme A dehydrogenase deficiency. Last evaluated: 2021-08-13. Review status: criteria provided, single submitter. Criteria: Invitae Variant Classification Sherloc (09022015). Collection method: clinical testing. Allele origin: germline.
Comment: This sequence change replaces glutamic acid with lysine at codon 93 of the ACADM protein (p.Glu93Lys). The glutamic acid residue is highly conserved and there is a small physicochemical difference between glutamic acid and lysine. This variant is present in population databases (rs752612962, ExAC 0.003%). This missense change has been observed in individual(s) with a positive newborn screening result for ACADM-related disease (Invitae). Algorithms developed to predict the effect of missense changes on protein structure and function are either unavailable or do not agree on the potential impact of this missense change (SIFT: "Deleterious"; PolyPhen-2: "Benign"; Align-GVGD: "Class C0"). In summary, the available evidence is currently insufficient to determine the role of this variant in disease. Therefore, it has been classified as a Variant of Uncertain Significance.

Department of Pathology and Laboratory Medicine, Sinai Health System
Classification: Uncertain significance for medium chain acyl-CoA dehydrogenase deficiency. Last evaluated: 2021-08-04. Review status: criteria provided, single submitter. Criteria: ACMG Guidelines, 2015. Collection method: research. Allele origin: germline.

Natera, Inc.
Classification: Uncertain significance for Medium Chain Acyl-CoA Dehydrogenase Deficiency. Last evaluated: 2018-08-21. Review status: no assertion criteria provided. Collection method: clinical testing. Allele origin: germline. Not counted in ClinVar's aggregate classification.